The following is an entry in ClinVar:

ClinVar aggregate classification (germline): Uncertain significance (0 of 4 stars; one submission).

Conditions:
IFT140-related disorder. Also called: IFT140-related condition.

gnomAD v4.1: 6 of 1,613,452 alleles (0.00037%); highest among the groups gnomAD compares: South Asian, 0.0066%; no homozygotes.

Submission:

PreventionGenetics, part of Exact Sciences
Classification: Uncertain significance for IFT140-related condition. Last evaluated: 2024-04-10. Review status: no assertion criteria provided. Collection method: clinical testing. Allele origin: germline.
Comment: The IFT140 c.3191C>A variant is predicted to result in the amino acid substitution p.Pro1064His. To our knowledge, this variant has not been reported in the literature. This variant is reported in 0.0033% of alleles in individuals of South Asian descent in gnomAD. At this time, the clinical significance of this variant is uncertain due to the absence of conclusive functional and genetic evidence.

NM_014714.4(IFT140):c.3191C>A (p.Pro1064His)

Gene: IFT140 (intraflagellar transport 140; minus strand). Cytogenetic location: 16p13.3.
Variant type: single nucleotide variant.
Coding change: c.3191C>A on transcript NM_014714.4 (MANE Select); coding-DNA position 3191, C replaced by A.
Protein change: p.Pro1064His; replaces proline 1064 with histidine.
Molecular consequence: missense variant.
Genome position (GRCh38, 1-based): chr16:1,523,907, G>T on the plus strand (C>A on the coding strand, the complement: IFT140 is on the minus strand). VCF-style: chr16-1523907-G-T. GRCh37 (hg19) VCF-style: chr16-1573908-G-T.
Other names: short protein forms P1064H.
Identifiers: ClinVar variation 3348063 (VCV003348063.1).